The following is an entry in ClinVar:

NM_000089.4(COL1A2):c.3814T>C (p.Cys1272Arg)

Gene: COL1A2 (collagen type I alpha 2 chain; plus strand). Cytogenetic location: 7q21.3.
Variant type: single nucleotide variant.
Coding change: c.3814T>C on transcript NM_000089.4 (MANE Select); coding-DNA position 3814, T replaced by C.
Protein change: p.Cys1272Arg; replaces cysteine 1272 with arginine.
Molecular consequence: missense variant.
Genome position (GRCh38, 1-based): chr7:94,429,290, T>C. VCF-style: chr7-94429290-T-C. GRCh37 (hg19) VCF-style: chr7-94058602-T-C.
Other names: short protein forms C1272R.
Identifiers: ClinVar variation 4074352 (VCV004074352.2).
Genomic context (GRCh38, chr7:94,429,290, plus strand): 5'-ACCCAACTTGCCTTCATGCGCCTGCTGGCCAACTATGCCTCTCAGAACATCACCTACCAC[T>C]GCAAGAACAGCATTGCATACATGGATGAGGAGACTGGCAACCTGAAAAAGGCTGTCATTC-3'
Protein context (NP_000080.2, residues 1262-1282): NYASQNITYH[Cys1272Arg]KNSIAYMDEE

ClinVar aggregate classification (germline): Likely pathogenic. Review status: criteria provided, multiple submitters, no conflicts (2 of 4 stars). 2 submissions from 2 submitters: Likely pathogenic (2). Last evaluated 2025-02-10.

Conditions:
COL1A2-related disorder. Also called: COL1A2-related condition; COL1A2-Related Disorders.

Submissions (2):

GeneDx
Classification: Likely pathogenic. Last evaluated: 2025-02-10. Review status: criteria provided, single submitter. Criteria: GeneDx Variant Classification Process June 2021. Collection method: clinical testing. Allele origin: germline. Affected: yes.
Comment: Not observed at significant frequency in large population cohorts (gnomAD); In silico analysis supports that this missense variant has a deleterious effect on protein structure/function; This variant is associated with the following publications: (PMID: 28725987, 37270749, 35909573)

3billion
Classification: Likely pathogenic for COL1A2-related disorder. Last evaluated: 2024-10-11. Review status: criteria provided, single submitter. Criteria: ACMG Guidelines, 2015. Collection method: clinical testing. Allele origin: germline. Affected: yes.
Comment: The variant is not observed in the gnomAD v4.1.0 dataset. Predicted Consequence/Location: Missense variant. Missense changes are a common disease-causing mechanism. In silico tool predictions suggest damaging effect of the variant on gene or gene product [REVEL: 0.94 (>=0.6, sensitivity 0.68 and specificity 0.92); 3Cnet: 0.87 (>=0.6, sensitivity 0.72 and precision 0.9)]. The same nucleotide change resulting in the same amino acid change has been previously reported to be associated with COL1A2-related disorder (PMID: 28725987).Different missense changes at the same codon (p.Cys1272Phe, p.Cys1272Ser, p.Cys1272Trp, p.Cys1272Tyr) have been reported to be associated with COL1A2 related disorder (ClinVar ID: VCV000948124 /PMID: 26627451, 27509835, 33070251, 37270749). Therefore, this variant is classified as Likely pathogenic according to the recommendation of ACMG/AMP guideline.

Literature cited by the submitters: PubMed 28725987 (cited by 3billion); PubMed 26627451 (cited by 3billion).